The following is an entry in ClinVar:

NM_001903.5(CTNNA1):c.96T>C (p.Leu32=)

Gene: CTNNA1 (catenin alpha 1; plus strand). Cytogenetic location: 5q31.2.
Variant type: single nucleotide variant.
Coding change: c.96T>C on transcript NM_001903.5 (MANE Select); coding-DNA position 96, T replaced by C.
Protein change: p.Leu32=; no amino-acid change (leucine 32 retained).
Molecular consequence: synonymous variant. On other transcripts: 5 prime UTR variant (2).
Genome position (GRCh38, 1-based): chr5:138,782,020, T>C. VCF-style: chr5-138782020-T-C. GRCh37 (hg19) VCF-style: chr5-138117709-T-C.
Other names: c.96T>C (NM_001903.2); c.96T>C, p.Leu32= (NM_001290307.3, NM_001323982.2, NM_001323983.1 and 3 more transcripts); c.-18T>C (NM_001290309.3); c.-111T>C (NM_001290310.3).
Identifiers: ClinVar variation 1135289 (VCV001135289.11), dbSNP rs1430895867, ClinGen allele CA446724901.

ClinVar aggregate classification (germline): Benign/Likely benign. Review status: criteria provided, multiple submitters, no conflicts (2 of 4 stars). 3 submissions from 3 submitters: Benign (1); Likely benign (2). Last evaluated 2025-10-15.

Conditions:
Hereditary cancer-predisposing syndrome. Also called: Neoplastic Syndromes, Hereditary; Hereditary neoplastic syndrome; Tumor predisposition; Hereditary Cancer Syndrome. Identifiers: Orphanet 140162, MedGen C0027672, MeSH D009386, MONDO:0015356.
Hereditary diffuse gastric adenocarcinoma (HDGC). Also called: DIFFUSE GASTRIC AND LOBULAR BREAST CANCER SYNDROME. Identifiers: Orphanet 26106, MedGen C1708349, MONDO:0007648, OMIM 137215.

gnomAD v4.1: 2 of 1,608,610 alleles (0.00012%); highest among the groups gnomAD compares: South Asian, 0.0022%; no homozygotes.

Submissions (3):

Ambry Genetics
Classification: Likely benign for Hereditary cancer-predisposing syndrome. Last evaluated: 2025-10-15. Review status: criteria provided, single submitter. Criteria: Ambry Variant Classification Scheme 2023. Collection method: clinical testing. Allele origin: germline.

Labcorp Genetics (formerly Invitae), Labcorp
Classification: Likely benign. Last evaluated: 2025-04-24. Review status: criteria provided, single submitter. Criteria: Invitae Variant Classification Sherloc (09022015). Collection method: clinical testing. Allele origin: germline.

Myriad Genetics, Inc.
Classification: Benign for Hereditary diffuse gastric adenocarcinoma. Last evaluated: 2024-10-09. Review status: criteria provided, single submitter. Criteria: Myriad Autosomal Dominant, Autosomal Recessive and X-Linked Classification Criteria (2023). Collection method: clinical testing. Allele origin: unknown.
Comment: This variant is considered benign. This variant is a silent/synonymous amino acid change and it is not expected to impact splicing.